The following is an entry in ClinVar:

ClinVar aggregate classification (germline): Uncertain significance. Review status: criteria provided, single submitter (1 of 4 stars). 2 submissions from 2 submitters: Uncertain significance (1). 1 of the submissions does not count toward it. Last evaluated 2021-08-30.

Conditions:
Primary ciliary dyskinesia. Also called: Ciliary dyskinesia. Identifiers: Orphanet 244, MedGen C0008780, MONDO:0016575, HP:0012265.

Allele frequency attached by ClinVar (database versions not stated): gnomAD exomes 0.00001 and 0.00002; ExAC 0.00003; TOPMed 0.00003; gnomAD 0.00004.
gnomAD v4.1: 29 of 1,613,746 alleles (0.0018%); highest among the groups gnomAD compares: African/African-American, 0.011%; no homozygotes.

Submissions (2):

Labcorp Genetics (formerly Invitae), Labcorp
Classification: Uncertain significance for Primary ciliary dyskinesia. Last evaluated: 2021-08-30. Review status: criteria provided, single submitter. Criteria: Invitae Variant Classification Sherloc (09022015). Collection method: clinical testing. Allele origin: germline.
Comment: This sequence change replaces arginine with histidine at codon 124 of the DNAI1 protein (p.Arg124His). The arginine residue is moderately conserved and there is a small physicochemical difference between arginine and histidine. This variant is present in population databases (rs759257177, ExAC 0.01%). This variant has not been reported in the literature in individuals affected with DNAI1-related conditions. Algorithms developed to predict the effect of missense changes on protein structure and function (SIFT, PolyPhen-2, Align-GVGD) all suggest that this variant is likely to be tolerated. This variant disrupts the p.Arg124 amino acid residue in DNAI1. Other variant(s) that disrupt this residue have been determined to be pathogenic (Invitae). This suggests that this residue is clinically significant, and that variants that disrupt this residue are likely to be disease-causing. In summary, the available evidence is currently insufficient to determine the role of this variant in disease. Therefore, it has been classified as a Variant of Uncertain Significance.

Natera, Inc.
Classification: Uncertain significance for Primary ciliary dyskinesia. Last evaluated: 2020-02-26. Review status: no assertion criteria provided. Collection method: clinical testing. Allele origin: germline. Not counted in ClinVar's aggregate classification.

NM_012144.4(DNAI1):c.371G>A (p.Arg124His)

Gene: DNAI1 (dynein axonemal intermediate chain 1; plus strand). Cytogenetic location: 9p13.3.
Variant type: single nucleotide variant.
Coding change: c.371G>A on transcript NM_012144.4 (MANE Select); coding-DNA position 371, G replaced by A.
Protein change: p.Arg124His; replaces arginine 124 with histidine.
Molecular consequence: missense variant.
Genome position (GRCh38, 1-based): chr9:34,489,432, G>A. VCF-style: chr9-34489432-G-A. GRCh37 (hg19) VCF-style: chr9-34489430-G-A.
Other names: c.371G>A, p.Arg124His (NM_001281428.2); short protein forms R124H.
Identifiers: ClinVar variation 964975 (VCV000964975.6), dbSNP rs759257177, ClinGen allele CA5034024.
Genomic context (GRCh38, chr9:34,489,432, plus strand): 5'-ACACCCAGGTTGGGAACCTGATCCCCAAAGACTCAGATGAAGGACGGCGGCAGCATTACC[G>A]CGATGAATTAGTGGCAGGTAGGACTCTGGGCCATCCTGAAGCTACAGCCCTGAGCCTGTT-3'
Protein context (NP_036276.1, residues 114-134): DSDEGRRQHY[Arg124His]DELVAGSQES